The following is an entry in ClinVar:

ClinVar aggregate classification (germline): Uncertain significance (1 of 4 stars; one submission).

Conditions:
Arrhythmogenic right ventricular cardiomyopathy (ARVD). Also called: Arrhythmogenic right ventricular dysplasia; Cardiomyopathy, ARVC; Arrhythmogenic cardiomyopathy; Arrhythmogenic Right Ventricular Cardiomyopathy (ARVC). Identifiers: Orphanet 247, MedGen C0349788, MeSH D019571, MONDO:0016587. Disease mechanism: loss of function. Inheritance: Various modes of inheritance.

gnomAD v4.1: 13 of 1,613,996 alleles (0.00081%); highest among the groups gnomAD compares: Non-Finnish European, 0.0011%; no homozygotes.

Submission:

All of Us Research Program, National Institutes of Health
Classification: Uncertain significance for Arrhythmogenic right ventricular cardiomyopathy. Last evaluated: 2024-04-25. Review status: criteria provided, single submitter. Criteria: ACMG Guidelines, 2015. Collection method: clinical testing. Allele origin: germline. Inheritance: Autosomal dominant inheritance. Observed: 1 variant allele, 1 heterozygote.
Comment: This missense variant replaces aspartic acid with glycine at codon 165 of the PKP2 protein. Computational prediction suggests that this variant may not impact protein structure and function (internally defined REVEL score threshold <= 0.5, PMID: 27666373). To our knowledge, functional studies have not been reported for this variant. This variant has not been reported in individuals affected with PKP2-related disorders in the literature. This variant has been identified in 2/251346 chromosomes in the general population by the Genome Aggregation Database (gnomAD). The available evidence is insufficient to determine the role of this variant in disease conclusively. Therefore, this variant is classified as a Variant of Uncertain Significance.

This study involves interpretation of variants in research participants for the purpose of population health screening. Participant phenotype was not available at the time of variant classification. Additional details can be found in publication PMID: 35346344, PMCID: PMC8962531

NM_001005242.3(PKP2):c.494A>G (p.Asp165Gly)

Gene: PKP2 (plakophilin 2; minus strand). Cytogenetic location: 12p11.21.
Variant type: single nucleotide variant.
Coding change: c.494A>G on transcript NM_001005242.3 (MANE Select); coding-DNA position 494, A replaced by G.
Protein change: p.Asp165Gly; replaces aspartic acid 165 with glycine.
Molecular consequence: missense variant.
Genome position (GRCh38, 1-based): chr12:32,878,386, T>C on the plus strand (A>G on the coding strand, the complement: PKP2 is on the minus strand). VCF-style: chr12-32878386-T-C. GRCh37 (hg19) VCF-style: chr12-33031320-T-C.
Other names: c.494A>G, p.Asp165Gly (NM_001407155.1, NM_001407156.1, NM_001407157.1 and 2 more transcripts); c.167A>G, p.Asp56Gly (NM_001407158.1, NM_001407159.1, NM_001407160.1 and 1 more transcripts); short protein forms D165G, D56G.
Identifiers: ClinVar variation 3387501 (VCV003387501.1).